The following is an entry in ClinVar:

ClinVar aggregate classification (germline): Pathogenic/Likely pathogenic. Review status: criteria provided, multiple submitters, no conflicts (2 of 4 stars). 3 submissions from 3 submitters: Pathogenic (1); Likely pathogenic (2). Last evaluated 2026-03-10.

Conditions:
Intellectual disability, X-linked 102 (MRXSSB). Also called: Intellectual developmental disorder, X-linked syndromic, Snijders Blok type. Identifiers: Orphanet 457260, MedGen C5393299, MONDO:0010497, OMIM 300958.

Submissions (3):

Institute of Human Genetics, University of Leipzig Medical Center
Classification: Likely pathogenic for Intellectual disability, X-linked 102. Last evaluated: 2026-03-10. Review status: criteria provided, single submitter. Criteria: ACMG Guidelines, 2015. Collection method: clinical testing. Allele origin: unknown. Inheritance: X-linked dominant inheritance. Affected: yes.
Comment: Criteria applied: PS2_MOD,PS4_MOD,PM2,PM1_SUP,PM4_SUP

Variantyx, Inc.
Classification: Likely pathogenic for Intellectual disability, X-linked 102. Last evaluated: 2026-01-14. Review status: criteria provided, single submitter. Criteria: Variantyx Assertion Criteria 2022. Collection method: clinical testing. Allele origin: maternal. Inheritance: X-linked inheritance. Affected: no.
Comment: This is an inframe deletion variant in the DDX3X gene (OMIM: 300160). Pathogenic variants in this gene have been associated with X-linked syndromic intellectual developmental disorder, Snijders Blok type. This variant causes an in-frame deletion of a single amino acid at position 41 of the DDX3X protein (PM4_Supporting), and lies within a well-established critical functional domain of the DDX3X protein (PM1) (PMID: 30617194, 29641966, 35794096) and is absent from control populations (PM2). Based on the current evidence, this variant is classified as likely pathogenic for X-linked syndromic intellectual developmental disorder, Snijders Blok type.

GeneDx
Classification: Pathogenic. Last evaluated: 2025-01-28. Review status: criteria provided, single submitter. Criteria: GeneDx Variant Classification Process June 2021. Collection method: clinical testing. Allele origin: germline. Affected: yes.
Comment: Not observed at significant frequency in large population cohorts (gnomAD); In-frame deletion of 1 amino acid(s) in a non-repeat region; In silico analysis supports a deleterious effect on protein structure/function; Has not been previously published as pathogenic or benign to our knowledge

Literature cited by the submitters: PubMed 30617194 (cited by Variantyx, Inc.); PubMed 29641966 (cited by Variantyx, Inc.); PubMed 35794096 (cited by Variantyx, Inc.).

NM_001356.5(DDX3X):c.119CTC[1] (p.Pro41del)

Gene: DDX3X (DEAD-box helicase 3 X-linked; plus strand). Cytogenetic location: Xp11.4.
Variant type: Microsatellite.
Coding change: c.119CTC[1] on transcript NM_001356.5 (MANE Select); one copy of the 3-base unit CTC starting at c.119; the reference has two copies in a row; one copy, 3 bases deleted; also written c.122_124del.
Protein change: p.Pro41del; deletes proline 41.
Molecular consequence: inframe deletion. On other transcripts: 5 prime UTR variant (1), non-coding transcript variant (1), intron variant (1).
Genome position (GRCh38, 1-based): chrX:41,339,054-41,339,056, CTC deleted; deleting any 3 consecutive bases within chrX:41,339,049-41,339,056 gives the same sequence; the position shown is the placement nearest the transcript's 3' end. VCF-style (leftmost placement, unchanged base first): chrX-41339048-TTCC-T. GRCh37 (hg19) VCF-style: chrX-41198301-TTCC-T.
Other names: c.119CTC[1], p.Pro41del (NM_001193416.3); c.-440CTC[1] (NM_001363819.1); c.103+1589_103+1591del (NM_001193417.3); c.122_124del (NM_001356.5); short protein forms P41del.
Identifiers: ClinVar variation 1215809 (VCV001215809.9), dbSNP rs2147343863, ClinGen allele CA2580616996.